The following is an entry in ClinVar:

NM_001135629.3(PPP1R21):c.1446+3A>G

Gene: PPP1R21 (protein phosphatase 1 regulatory subunit 21; plus strand). Cytogenetic location: 2p16.3.
Variant type: single nucleotide variant.
Coding change: c.1446+3A>G on transcript NM_001135629.3 (MANE Select); 3 bases into the intron after coding-DNA position 1446, A replaced by G.
Molecular consequence: intron variant.
Genome position (GRCh38, 1-based): chr2:48,486,761, A>G. VCF-style: chr2-48486761-A-G. GRCh37 (hg19) VCF-style: chr2-48713900-A-G.
Other names: c.1446+3A>G (NM_152994.5, NM_001193475.2).
Identifiers: ClinVar variation 2301350 (VCV002301350.2), dbSNP rs767122782, ClinGen allele CA1651314.

ClinVar aggregate classification (germline): Uncertain significance (1 of 4 stars; one submission).

Conditions:
Inborn genetic diseases. Identifiers: MedGen C0950123, MeSH D030342.

Allele frequency attached by ClinVar (database versions not stated): ExAC 0.00001; gnomAD 0.00001; gnomAD exomes 0.00001; TOPMed 0.00003.
gnomAD v4.1: 9 of 1,611,364 alleles (0.00056%); highest among the groups gnomAD compares: Admixed American, 0.012%; no homozygotes.

Submission:

Ambry Genetics
Classification: Uncertain significance for Inborn genetic diseases. Last evaluated: 2022-08-10. Review status: criteria provided, single submitter. Criteria: Ambry Variant Classification Scheme 2023. Collection method: clinical testing. Allele origin: germline.
Comment: The c.1446+3A>G intronic alteration consists of a A to G substitution 3 nucleotides after exon 14 of the PPP1R21 gene. Based on insufficient or conflicting evidence, the clinical significance of this alteration remains unclear.